The following is an entry in ClinVar:

ClinVar aggregate classification (germline): Uncertain significance (1 of 4 stars; one submission).

Conditions:
PRPH2-related disorder. Also called: PRPH2-related condition; PRPH2-related disorders. Identifiers: MedGen CN239395.

Submission:

Labcorp Genetics (formerly Invitae), Labcorp
Classification: Uncertain significance for PRPH2-related disorder. Last evaluated: 2022-10-17. Review status: criteria provided, single submitter. Criteria: Invitae Variant Classification Sherloc (09022015). Collection method: clinical testing. Allele origin: germline.
Comment: This variant, c.688_690del, results in the deletion of 1 amino acid(s) of the PRPH2 protein (p.Asn230del), but otherwise preserves the integrity of the reading frame. In summary, the available evidence is currently insufficient to determine the role of this variant in disease. Therefore, it has been classified as a Variant of Uncertain Significance. This variant has been observed in individual(s) with retinal dystrophy (Invitae). This variant is not present in population databases (gnomAD no frequency).

NM_000322.5(PRPH2):c.685AAC[1] (p.Asn230del)

Gene: PRPH2 (peripherin 2; minus strand). Cytogenetic location: 6p21.1.
Variant type: Microsatellite.
Coding change: c.685AAC[1] on transcript NM_000322.5 (MANE Select); one copy of the 3-base unit AAC starting at c.685; the reference has two copies in a row; one copy, 3 bases deleted.
Protein change: p.Asn230del; deletes asparagine 230.
Molecular consequence: inframe deletion.
Genome position (GRCh38, 1-based): chr6:42,704,503-42,704,505, GTT deleted on the plus strand (AAC on the coding strand, the reverse complement: PRPH2 is on the minus strand); deleting any 3 consecutive bases within chr6:42,704,503-42,704,509 gives the same sequence; the position shown is the placement nearest the transcript's 3' end. VCF-style (leftmost placement, unchanged base first): chr6-42704502-AGTT-A. GRCh37 (hg19) VCF-style: chr6-42672240-AGTT-A.
Other names: short protein forms N230del.
Identifiers: ClinVar variation 1380835 (VCV001380835.6), dbSNP rs2152005289, ClinGen allele CA2580614877.
Genomic context (GRCh38, chr6:42,704,502, plus strand): 5'-TGCAGCCACGCACCCACAGGTTGAGCTCCTCCGTCTGGTGGTCGTAACTGTAGTGTGCTG[AGTT>A]GTTGGTGATCTGATACTGGATGCAGGGCCGTGGCGAGCTAGGATTGCAGCAGCTGAAAGG-3'